The following is an entry in ClinVar:

NM_001374353.1(GLI2):c.1370G>A (p.Trp457Ter)

Gene: GLI2 (GLI family zinc finger 2; plus strand). Cytogenetic location: 2q14.2.
Variant type: single nucleotide variant.
Coding change: c.1370G>A on transcript NM_001374353.1 (MANE Select); coding-DNA position 1370, G replaced by A.
Protein change: p.Trp457Ter; replaces tryptophan 457 with a stop codon.
Molecular consequence: nonsense.
Genome position (GRCh38, 1-based): chr2:120,978,486, G>A. VCF-style: chr2-120978486-G-A. GRCh37 (hg19) VCF-style: chr2-121736062-G-A.
Other names: c.1421G>A, p.Trp474Ter (NM_001371271.1, NM_005270.5); c.995G>A, p.Trp332Ter (NM_001374354.1); short protein forms W474*, W332*, W457*.
Identifiers: ClinVar variation 498545 (VCV000498545.26), dbSNP rs1553476382, ClinGen allele CA348161484.
Genomic context (GRCh38, chr2:120,978,486, plus strand): 5'-TCCGGCAGCACATCAACAACGAGCACATCCACGGGGAGAAGAAGGAGTTTGTGTGCCGCT[G>A]GCAGGCCTGCACGCGGGAGCAGAAGCCCTTCAAGGCGCAGTACATGCTGGTGGTGCACAT-3'

ClinVar aggregate classification (germline): Pathogenic/Likely pathogenic. Review status: criteria provided, multiple submitters, no conflicts (2 of 4 stars). 7 submissions from 7 submitters: Pathogenic (6); Likely pathogenic (1). Last evaluated 2026-07-02.

Conditions:
GLI2-related disorder. Also called: GLI2-related disorders; GLI2-related condition.
Postaxial polydactyly-anterior pituitary anomalies-facial dysmorphism syndrome. Also called: Culler-Jones syndrome. Identifiers: Orphanet 420584, MedGen C4014479, MONDO:0014369, OMIM 615849.
Holoprosencephaly 9 (HPE9). Also called: PITUITARY ANOMALIES WITH HOLOPROSENCEPHALY-LIKE FEATURES; HOLOPROSENCEPHALY WITH MICROPHTHALMIA AND FIRST BRANCHIAL ARCH ANOMALIES. Identifiers: Orphanet 2162, MedGen C1835819, MONDO:0012563, OMIM 610829.
Inborn genetic diseases. Identifiers: MedGen C0950123, MeSH D030342.

Submissions (7):

PreventionGenetics, part of Exact Sciences
Classification: Pathogenic for GLI2-related condition. Last evaluated: 2026-07-02. Review status: criteria provided, single submitter. Criteria: ACMG Guidelines, 2015. Collection method: clinical testing. Allele origin: germline.
Comment: The GLI2 c.1421G>A variant is predicted to result in premature protein termination (p.Trp474*). To our knowledge, this variant has not been reported in the literature or in a large population database (gnomAD), indicating this variant is rare. This variant is interpreted as pathogenic/likely pathogenic in ClinVar (Variation ID: 498545). Nonsense variants in GLI2 are expected to be pathogenic. This variant is interpreted as pathogenic.

Labcorp Genetics (formerly Invitae), Labcorp
Classification: Pathogenic for Postaxial polydactyly-anterior pituitary anomalies-facial dysmorphism syndrome; Holoprosencephaly 9. Last evaluated: 2025-04-22. Review status: criteria provided, single submitter. Criteria: Invitae Variant Classification Sherloc (09022015). Collection method: clinical testing. Allele origin: germline.
Comment: This sequence change creates a premature translational stop signal (p.Trp474*) in the GLI2 gene. It is expected to result in an absent or disrupted protein product. Loss-of-function variants in GLI2 are known to be pathogenic (PMID: 20685856, 24744436). This variant is not present in population databases (gnomAD no frequency). This variant has not been reported in the literature in individuals affected with GLI2-related conditions. ClinVar contains an entry for this variant (Variation ID: 498545). For these reasons, this variant has been classified as Pathogenic.

Ambry Genetics
Classification: Pathogenic for Inborn genetic diseases. Last evaluated: 2024-09-18. Review status: criteria provided, single submitter. Criteria: Ambry Variant Classification Scheme 2023. Collection method: clinical testing. Allele origin: germline.
Comment: The c.1421G>A (p.W474*) alteration, located in exon 9 (coding exon 9) of the GLI2 gene, consists of a G to A substitution at nucleotide position 1421. This changes the amino acid from a tryptophan (W) to a stop codon at amino acid position 474. This alteration is expected to result in loss of function by premature protein truncation or nonsense-mediated mRNA decay. This variant was not reported in population-based cohorts in the Genome Aggregation Database (gnomAD). Based on the available evidence, this alteration is classified as pathogenic.

GeneDx
Classification: Pathogenic. Last evaluated: 2024-09-10. Review status: criteria provided, single submitter. Criteria: GeneDx Variant Classification Process June 2021. Collection method: clinical testing. Allele origin: germline. Affected: yes.
Comment: Nonsense variant predicted to result in protein truncation or nonsense mediated decay in a gene for which loss of function is a known mechanism of disease; Not observed at significant frequency in large population cohorts (gnomAD); Has not been previously published as pathogenic or benign to our knowledge

Fulgent Genetics
Classification: Likely pathogenic for Holoprosencephaly 9; Postaxial polydactyly-anterior pituitary anomalies-facial dysmorphism syndrome. Last evaluated: 2024-02-15. Review status: criteria provided, single submitter. Criteria: ACMG Guidelines, 2015. Collection method: clinical testing. Allele origin: germline.

Revvity Omics, Revvity
Classification: Pathogenic. Last evaluated: 2020-03-24. Review status: criteria provided, single submitter. Criteria: ACMG Guidelines, 2015. Collection method: clinical testing. Allele origin: germline.

Eurofins Ntd Llc (ga)
Classification: Pathogenic. Last evaluated: 2016-12-13. Review status: criteria provided, single submitter. Criteria: EGL Classification Definitions 2015. Collection method: clinical testing. Allele origin: germline. Observed: 1 variant allele, 1 heterozygote.

Literature cited by the submitters: PubMed 20685856 (cited by Labcorp Genetics (formerly Invitae), Labcorp); PubMed 24744436 (cited by Labcorp Genetics (formerly Invitae), Labcorp).